The following is an entry in ClinVar:

NM_001114753.3(ENG):c.100C>G (p.Pro34Ala)

Gene: ENG (endoglin; minus strand). Cytogenetic location: 9q34.11.
Variant type: single nucleotide variant.
Coding change: c.100C>G on transcript NM_001114753.3 (MANE Select); coding-DNA position 100, C replaced by G.
Protein change: p.Pro34Ala; replaces proline 34 with alanine.
Molecular consequence: missense variant. On other transcripts: 5 prime UTR variant (1).
Genome position (GRCh38, 1-based): chr9:127,843,213, G>C on the plus strand (C>G on the coding strand, the complement: ENG is on the minus strand). VCF-style: chr9-127843213-G-C. GRCh37 (hg19) VCF-style: chr9-130605492-G-C.
Other names: c.100C>G, p.Pro34Ala (NM_000118.4, NM_001406715.1); c.-447C>G (NM_001278138.2); short protein forms P34A.
Identifiers: ClinVar variation 4837002 (VCV004837002.1).
Genomic context (GRCh38, chr9:127,843,213, plus strand): 5'-CGCAGCCCTTCGAGACCTGGCTAGTGGTATATGTCACCTCGCCCCTCTCGGGGCCCACAG[G>C]CTGAAGGTCACAATGGACTGTTTCTGCAAGACCTGTTGGAGAAACATCCGGAAAGAGGCC-3'
Protein context (NP_001108225.1, residues 24-44): LAETVHCDLQ[Pro34Ala]VGPERGEVTY

ClinVar aggregate classification (germline): Uncertain significance (1 of 4 stars; one submission).

Conditions:
Cardiovascular phenotype. Identifiers: MedGen CN230736.

Submission:

Ambry Genetics
Classification: Uncertain significance for Cardiovascular phenotype. Last evaluated: 2026-02-21. Review status: criteria provided, single submitter. Criteria: Ambry Variant Classification Scheme 2023. Collection method: clinical testing. Allele origin: germline.
Comment: The p.P34A variant (also known as c.100C>G), located in coding exon 2 of the ENG gene, results from a C to G substitution at nucleotide position 100. The proline at codon 34 is replaced by alanine, an amino acid with highly similar properties. This amino acid position is conserved. In addition, this alteration is predicted to be tolerated by in silico analysis. Based on the available evidence, the clinical significance of this variant remains unclear.